The following is an entry in ClinVar:

NM_001357.5(DHX9):c.478-4A>G

Gene: DHX9 (DExH-box helicase 9; plus strand). Cytogenetic location: 1q25.3.
Variant type: single nucleotide variant.
Coding change: c.478-4A>G on transcript NM_001357.5 (MANE Select); 4 bases into the intron before coding-DNA position 478, A replaced by G.
Molecular consequence: intron variant.
Genome position (GRCh38, 1-based): chr1:182,854,026, A>G. VCF-style: chr1-182854026-A-G. GRCh37 (hg19) VCF-style: chr1-182823161-A-G.
Identifiers: ClinVar variation 4681751 (VCV004681751.5).

ClinVar aggregate classification (germline): Likely benign (1 of 4 stars; one submission).

gnomAD v4.1: 39 of 1,609,388 alleles (0.0024%); highest among the groups gnomAD compares: Admixed American, 0.042%; no homozygotes.

Submission:

CeGaT Center for Human Genetics Tuebingen
Classification: Likely benign. Last evaluated: 2025-11-01. Review status: criteria provided, single submitter. Criteria: CeGaT Center For Human Genetics Tuebingen Variant Classification Criteria Version 2. Collection method: clinical testing. Allele origin: germline. Affected: yes. Observed: 1 variant allele.
Comment: DHX9: BP4